The following is an entry in ClinVar:

NM_000518.5(HBB):c.427G>A (p.Ala143Thr)

Genes: HBB (hemoglobin subunit beta; minus strand), LOC107133510 (origin of replication at HBB; plus strand), LOC110006319 (beta-globin gene 3' regulatory region; plus strand). Cytogenetic location: 11p15.4.
Variant type: single nucleotide variant.
Coding change: c.427G>A on transcript NM_000518.5 (MANE Select); coding-DNA position 427, G replaced by A.
Protein change: p.Ala143Thr; replaces alanine 143 with threonine.
Molecular consequence: missense variant.
Genome position (GRCh38, 1-based): chr11:5,225,615, C>T on the plus strand (G>A on the coding strand, the complement: HBB is on the minus strand). VCF-style: chr11-5225615-C-T. GRCh37 (hg19) VCF-style: chr11-5246845-C-T.
Other names: short protein forms A143T.
Identifiers: ClinVar variation 801193 (VCV000801193.4), dbSNP rs33931806, ClinGen allele CA217112293.

ClinVar aggregate classification (germline): Uncertain significance. Review status: criteria provided, multiple submitters, no conflicts (2 of 4 stars). 2 submissions from 2 submitters: Uncertain significance (2). Last evaluated 2024-08-06.

Allele frequency attached by ClinVar (database versions not stated): gnomAD exomes below 0.00001.
gnomAD v4.1: 2 of 1,614,080 alleles (0.00012%); highest among the groups gnomAD compares: South Asian, 0.0022%; no homozygotes.

Submissions (2):

Women's Health and Genetics/Laboratory Corporation of America, LabCorp
Classification: Uncertain significance. Last evaluated: 2024-08-06. Review status: criteria provided, single submitter. Criteria: LabCorp Variant Classification Summary - May 2015. Collection method: clinical testing. Allele origin: germline.
Comment: Variant summary: HBB c.427G>A (p.Ala143Thr) results in a non-conservative amino acid change in the encoded protein sequence. Three of five in-silico tools predict a damaging effect of the variant on protein function. The variant was absent in 251382 control chromosomes (gnomAD). The available data on variant occurrences in the general population are insufficient to allow any conclusion about variant significance. c.427G>A has been reported in the literature in individuals without clinical or hematological abnormalities (Hoyer_2002). These reports do not provide unequivocal conclusions about association of the variant with Beta Thalassemia. To our knowledge, no experimental evidence demonstrating an impact on protein function has been reported. The following publication has been ascertained in the context of this evaluation (PMID: 12403495). ClinVar contains an entry for this variant (Variation ID: 801193). Based on the evidence outlined above, the variant was classified as uncertain significance.

Quest Diagnostics Nichols Institute San Juan Capistrano
Classification: Uncertain significance. Last evaluated: 2018-11-18. Review status: criteria provided, single submitter. Criteria: Quest Diagnostics criteria. Collection method: clinical testing. Allele origin: germline.

Literature cited by the submitters: PubMed 12403495 (cited by Women's Health and Genetics/Laboratory Corporation of America, LabCorp and Quest Diagnostics Nichols Institute San Juan Capistrano).